The following is an entry in ClinVar:

ClinVar aggregate classification (germline): Uncertain significance (1 of 4 stars; one submission).

Conditions:
Exostoses, multiple, type 2 (EXT2). Also called: Hereditary Multiple Osteochondromatosis, Type II; EXOSTOSES, MULTIPLE, TYPE II. Identifiers: Orphanet 321, MedGen C1851413, MONDO:0007586, OMIM 133701.

Allele frequency attached by ClinVar (database versions not stated): gnomAD 0.00001; gnomAD exomes 0.00001; TOPMed 0.00002.
gnomAD v4.1: 21 of 1,612,658 alleles (0.0013%); highest among the groups gnomAD compares: East Asian, 0.0067%; no homozygotes.

Submission:

Labcorp Genetics (formerly Invitae), Labcorp
Classification: Uncertain significance for Exostoses, multiple, type 2. Last evaluated: 2025-06-02. Review status: criteria provided, single submitter. Criteria: Invitae Variant Classification Sherloc (09022015). Collection method: clinical testing. Allele origin: germline.
Comment: This sequence change replaces alanine, which is neutral and non-polar, with valine, which is neutral and non-polar, at codon 173 of the EXT2 protein (p.Ala173Val). The frequency data for this variant in the population databases is considered unreliable, as metrics indicate poor data quality at this position in the gnomAD database. This variant has not been reported in the literature in individuals affected with EXT2-related conditions. ClinVar contains an entry for this variant (Variation ID: 2915223). Invitae Evidence Modeling of protein sequence and biophysical properties (such as structural, functional, and spatial information, amino acid conservation, physicochemical variation, residue mobility, and thermodynamic stability) indicates that this missense variant is not expected to disrupt EXT2 protein function with a negative predictive value of 95%. In summary, the available evidence is currently insufficient to determine the role of this variant in disease. Therefore, it has been classified as a Variant of Uncertain Significance.

NM_207122.2(EXT2):c.518C>T (p.Ala173Val)

Gene: EXT2 (exostosin glycosyltransferase 2; plus strand). Cytogenetic location: 11p11.2.
Variant type: single nucleotide variant.
Coding change: c.518C>T on transcript NM_207122.2 (MANE Select); coding-DNA position 518, C replaced by T.
Protein change: p.Ala173Val; replaces alanine 173 with valine.
Molecular consequence: missense variant.
Genome position (GRCh38, 1-based): chr11:44,108,230, C>T. VCF-style: chr11-44108230-C-T. GRCh37 (hg19) VCF-style: chr11-44129780-C-T.
Other names: c.617C>T, p.Ala206Val (NM_000401.3); c.518C>T, p.Ala173Val (NM_001178083.3, NM_001389628.1, NM_001389630.1); short protein forms A173V, A206V.
Identifiers: ClinVar variation 2915223 (VCV002915223.3), dbSNP rs1264436933, ClinGen allele CA380180512.